The following is an entry in ClinVar:

ClinVar aggregate classification (germline): Pathogenic. Review status: criteria provided, single submitter (1 of 4 stars). 2 submissions from 2 submitters: Pathogenic (1). 1 of the submissions does not count toward it. Last evaluated 2023-06-16.

Conditions:
Usher syndrome type 2A. Also called: RETINAL DISEASE IN USHER SYNDROME TYPE IIA, MODIFIER OF; USHER SYNDROME, TYPE IIA. Identifiers: Orphanet 231178, Orphanet 886, MedGen C1848634, MONDO:0010169, OMIM 276901.

Submissions (2):

Labcorp Genetics (formerly Invitae), Labcorp
Classification: Pathogenic. Last evaluated: 2023-06-16. Review status: criteria provided, single submitter. Criteria: Invitae Variant Classification Sherloc (09022015). Collection method: clinical testing. Allele origin: germline.
Comment: This sequence change creates a premature translational stop signal (p.Tyr1850Ilefs*14) in the USH2A gene. It is expected to result in an absent or disrupted protein product. Loss-of-function variants in USH2A are known to be pathogenic (PMID: 10729113, 10909849, 20507924, 25649381). This variant is not present in population databases (gnomAD no frequency). This premature translational stop signal has been observed in individual(s) with deafness (PMID: 34416374). ClinVar contains an entry for this variant (Variation ID: 1185075). For these reasons, this variant has been classified as Pathogenic.

WangQJ Lab, Chinese People's Liberation Army General Hospital
Classification: Pathogenic for Usher syndrome type 2A. Last evaluated: 2021-07-01. Review status: no assertion criteria provided. Collection method: clinical testing. Allele origin: paternal. Not counted in ClinVar's aggregate classification.

Literature cited by the submitters: PubMed 10729113 (cited by Labcorp Genetics (formerly Invitae), Labcorp); PubMed 10909849 (cited by Labcorp Genetics (formerly Invitae), Labcorp); PubMed 20507924 (cited by Labcorp Genetics (formerly Invitae), Labcorp); PubMed 25649381 (cited by Labcorp Genetics (formerly Invitae), Labcorp); PubMed 34416374 (cited by Labcorp Genetics (formerly Invitae), Labcorp).

NM_206933.4(USH2A):c.5548del (p.Tyr1850fs)

Genes: USH2A (usherin; minus strand), USH2A-AS2 (USH2A antisense RNA 2; plus strand). Cytogenetic location: 1q41.
Variant type: Deletion.
Coding change: c.5548del on transcript NM_206933.4 (MANE Select); coding-DNA position 5548, one base deleted (T; older notation c.5548delT).
Protein change: p.Tyr1850fs; shifts the reading frame from tyrosine 1850.
Molecular consequence: frameshift variant.
Genome position (GRCh38, 1-based): chr1:216,078,113, A deleted on the plus strand (T on the coding strand, the reverse complement: USH2A is on the minus strand); the first of 2 consecutive A bases (chr1:216,078,113-216,078,114); deleting either gives the same sequence. VCF-style (leftmost placement, unchanged base first): chr1-216078112-TA-T. GRCh37 (hg19) VCF-style: chr1-216251454-TA-T.
Other names: short protein forms Y1850fs.
Identifiers: ClinVar variation 1185075 (VCV001185075.4), dbSNP rs2102554196, ClinGen allele CA2573051484.